The following is an entry in ClinVar:

NM_000368.5(TSC1):c.1223A>C (p.His408Pro)

Gene: TSC1 (TSC complex subunit 1; minus strand). Cytogenetic location: 9q34.13.
Variant type: single nucleotide variant.
Coding change: c.1223A>C on transcript NM_000368.5 (MANE Select); coding-DNA position 1223, A replaced by C.
Protein change: p.His408Pro; replaces histidine 408 with proline.
Molecular consequence: missense variant.
Genome position (GRCh38, 1-based): chr9:132,910,611, T>G on the plus strand (A>C on the coding strand, the complement: TSC1 is on the minus strand). VCF-style: chr9-132910611-T-G. GRCh37 (hg19) VCF-style: chr9-135785998-T-G.
Other names: c.1220A>C, p.His407Pro (NM_001162426.2); c.1070A>C, p.His357Pro (NM_001162427.2); c.860A>C, p.His287Pro (NM_001362177.2); short protein forms H407P, H408P, H287P, H357P.
Identifiers: ClinVar variation 1402407 (VCV001402407.12), dbSNP rs1554817122, ClinGen allele CA375366874.

ClinVar aggregate classification (germline): Uncertain significance. Review status: criteria provided, multiple submitters, no conflicts (2 of 4 stars). 2 submissions from 2 submitters: Uncertain significance (2). Last evaluated 2025-09-17.

Conditions:
Tuberous sclerosis 1 (TSC1). Identifiers: Orphanet 805, MedGen C1854465, MONDO:0008612, OMIM 191100.
Hereditary cancer-predisposing syndrome. Also called: Neoplastic Syndromes, Hereditary; Hereditary neoplastic syndrome; Hereditary Cancer Syndrome; Tumor predisposition. Identifiers: Orphanet 140162, MedGen C0027672, MeSH D009386, MONDO:0015356.

gnomAD v4.1: 3 of 1,614,104 alleles (0.00019%); highest among the groups gnomAD compares: Non-Finnish European, 0.00025%; no homozygotes.

Submissions (2):

Ambry Genetics
Classification: Uncertain significance for Hereditary cancer-predisposing syndrome. Last evaluated: 2025-09-17. Review status: criteria provided, single submitter. Criteria: Ambry Variant Classification Scheme 2023. Collection method: clinical testing. Allele origin: germline.
Comment: The p.H408P variant (also known as c.1223A>C), located in coding exon 10 of the TSC1 gene, results from an A to C substitution at nucleotide position 1223. The histidine at codon 408 is replaced by proline, an amino acid with similar properties. This amino acid position is well conserved in available vertebrate species. In addition, this alteration is predicted to be tolerated by in silico analysis. Since supporting evidence is limited at this time, the clinical significance of this alteration remains unclear.

Labcorp Genetics (formerly Invitae), Labcorp
Classification: Uncertain significance for Tuberous sclerosis 1. Last evaluated: 2023-04-14. Review status: criteria provided, single submitter. Criteria: Invitae Variant Classification Sherloc (09022015). Collection method: clinical testing. Allele origin: germline.
Comment: Advanced modeling of protein sequence and biophysical properties (such as structural, functional, and spatial information, amino acid conservation, physicochemical variation, residue mobility, and thermodynamic stability) performed at Invitae indicates that this missense variant is not expected to disrupt TSC1 protein function. In summary, the available evidence is currently insufficient to determine the role of this variant in disease. Therefore, it has been classified as a Variant of Uncertain Significance. ClinVar contains an entry for this variant (Variation ID: 1402407). This variant has not been reported in the literature in individuals affected with TSC1-related conditions. This variant is not present in population databases (gnomAD no frequency). This sequence change replaces histidine, which is basic and polar, with proline, which is neutral and non-polar, at codon 408 of the TSC1 protein (p.His408Pro).